The following is an entry in ClinVar:

ClinVar aggregate classification (germline): Uncertain significance. Review status: criteria provided, multiple submitters, no conflicts (2 of 4 stars). 3 submissions from 3 submitters: Uncertain significance (3). Last evaluated 2024-11-14.

Conditions:
Inborn genetic diseases. Identifiers: MedGen C0950123, MeSH D030342.
Hereditary spastic paraplegia 50 (SPG50). Also called: Spastic paraplegia 50, autosomal recessive. Identifiers: Orphanet 280763, MedGen C2752008, MONDO:0013048, OMIM 612936.

Allele frequency attached by ClinVar (database versions not stated): gnomAD 0.00001; TOPMed 0.00003; ExAC 0.00007; gnomAD exomes 0.00008.
gnomAD v4.1: 36 of 1,613,860 alleles (0.0022%); highest among the groups gnomAD compares: Admixed American, 0.035%; no homozygotes.

Submissions (3):

Blueprint Genetics
Classification: Uncertain significance. Last evaluated: 2024-11-14. Review status: criteria provided, single submitter. Criteria: ACMG Guidelines, 2015. Collection method: clinical testing. Allele origin: germline.

Labcorp Genetics (formerly Invitae), Labcorp
Classification: Uncertain significance for Hereditary spastic paraplegia 50. Last evaluated: 2022-04-24. Review status: criteria provided, single submitter. Criteria: Invitae Variant Classification Sherloc (09022015). Collection method: clinical testing. Allele origin: germline.
Comment: This sequence change replaces arginine, which is basic and polar, with glutamine, which is neutral and polar, at codon 297 of the AP4M1 protein (p.Arg297Gln). This variant is present in population databases (rs768778642, gnomAD 0.05%). This variant has not been reported in the literature in individuals affected with AP4M1-related conditions. Algorithms developed to predict the effect of missense changes on protein structure and function are either unavailable or do not agree on the potential impact of this missense change (SIFT: "Deleterious"; PolyPhen-2: "Benign"; Align-GVGD: "Class C0"). Algorithms developed to predict the effect of sequence changes on RNA splicing suggest that this variant may disrupt the consensus splice site. In summary, the available evidence is currently insufficient to determine the role of this variant in disease. Therefore, it has been classified as a Variant of Uncertain Significance.

Ambry Genetics
Classification: Uncertain significance for Inborn genetic diseases. Last evaluated: 2021-07-08. Review status: criteria provided, single submitter. Criteria: Ambry Variant Classification Scheme 2023. Collection method: clinical testing. Allele origin: germline.

NM_004722.4(AP4M1):c.890G>A (p.Arg297Gln)

Gene: AP4M1 (adaptor related protein complex 4 subunit mu 1; plus strand). Cytogenetic location: 7q22.1.
Variant type: single nucleotide variant.
Coding change: c.890G>A on transcript NM_004722.4 (MANE Select); coding-DNA position 890, G replaced by A.
Protein change: p.Arg297Gln; replaces arginine 297 with glutamine.
Molecular consequence: missense variant.
Genome position (GRCh38, 1-based): chr7:100,105,500, G>A. VCF-style: chr7-100105500-G-A. GRCh37 (hg19) VCF-style: chr7-99703123-G-A.
Other names: c.890G>A (NM_004722.3); c.911G>A, p.Arg304Gln (NM_001363671.2); short protein forms R304Q, R297Q.
Identifiers: ClinVar variation 1472413 (VCV001472413.8), dbSNP rs768778642, ClinGen allele CA4374849.